The following is an entry in ClinVar:

ClinVar aggregate classification (germline): Uncertain significance (1 of 4 stars; one submission).

Conditions:
Epidermolysis bullosa simplex 5C, with pyloric atresia (EBS5C). Also called: PLEC-Related Epidermolysis Bullosa with Pyloric Atresia; Epidermolysis bullosa simplex with pyloric atresia; PLEC1-Related Epidermolysis Bullosa with Pyloric Atresia. Identifiers: Orphanet 158684, MedGen C2677349, MONDO:0012807, OMIM 612138.
Epidermolysis bullosa simplex with nail dystrophy (EBS5D). Identifiers: MedGen C4225309, MONDO:0014661, OMIM 616487.
Epidermolysis bullosa simplex 5B, with muscular dystrophy (EBS5B). Also called: EPIDERMOLYSIS BULLOSA SIMPLEX AND LIMB-GIRDLE MUSCULAR DYSTROPHY; Epidermolysis bullosa simplex with muscular dystrophy. Identifiers: Orphanet 257, MedGen C2931072, MONDO:0009181, OMIM 226670.
Epidermolysis bullosa simplex, Ogna type (EBS5A). Also called: Pidermolysis bullosa simplex 5A, Ogna type; EPIDERMOLYSIS BULLOSA SIMPLEX 5A, OGNA TYPE. Identifiers: Orphanet 79401, MedGen C0432317, MONDO:0007555, OMIM 131950.
Autosomal recessive limb-girdle muscular dystrophy type 2Q (LGMDR17). Also called: MUSCULAR DYSTROPHY, LIMB-GIRDLE, AUTOSOMAL RECESSIVE 17. Identifiers: Orphanet 254361, MedGen C3150989, MONDO:0013390, OMIM 613723.

Allele frequency attached by ClinVar (database versions not stated): ExAC 0.00001; gnomAD 0.00001; gnomAD exomes 0.00001; TOPMed 0.00001.
gnomAD v4.1: 7 of 1,612,792 alleles (0.00043%); highest among the groups gnomAD compares: Non-Finnish European, 0.00051%; no homozygotes.

Submission:

Labcorp Genetics (formerly Invitae), Labcorp
Classification: Uncertain significance for Autosomal recessive limb-girdle muscular dystrophy type 2Q; Epidermolysis bullosa simplex, Ogna type; Epidermolysis bullosa simplex with nail dystrophy; Epidermolysis bullosa simplex 5C, with pyloric atresia; Epidermolysis bullosa simplex 5B, with muscular dystrophy. Last evaluated: 2022-12-14. Review status: criteria provided, single submitter. Criteria: Invitae Variant Classification Sherloc (09022015). Collection method: clinical testing. Allele origin: germline.
Comment: This variant has not been reported in the literature in individuals affected with PLEC-related conditions. This sequence change replaces asparagine, which is neutral and polar, with serine, which is neutral and polar, at codon 3691 of the PLEC protein (p.Asn3691Ser). This variant is present in population databases (rs782426059, gnomAD 0.002%). Algorithms developed to predict the effect of missense changes on protein structure and function output the following: SIFT: "Tolerated"; PolyPhen-2: "Benign"; Align-GVGD: "Class C0". The serine amino acid residue is found in multiple mammalian species, which suggests that this missense change does not adversely affect protein function. In summary, the available evidence is currently insufficient to determine the role of this variant in disease. Therefore, it has been classified as a Variant of Uncertain Significance.

NM_201384.3(PLEC):c.10991A>G (p.Asn3664Ser)

Gene: PLEC (plectin; minus strand). Cytogenetic location: 8q24.3.
Variant type: single nucleotide variant.
Coding change: c.10991A>G on transcript NM_201384.3 (MANE Select); coding-DNA position 10991, A replaced by G.
Protein change: p.Asn3664Ser; replaces asparagine 3664 with serine.
Molecular consequence: missense variant.
Genome position (GRCh38, 1-based): chr8:143,918,830, T>C on the plus strand (A>G on the coding strand, the complement: PLEC is on the minus strand). VCF-style: chr8-143918830-T-C. GRCh37 (hg19) VCF-style: chr8-144992998-T-C.
Other names: c.11072A>G, p.Asn3691Ser (NM_000445.5); c.7691A>G, p.Asn2564Ser (NM_001410941.1); c.10949A>G, p.Asn3650Ser (NM_201378.4); c.10925A>G, p.Asn3642Ser (NM_201379.3); c.11402A>G, p.Asn3801Ser (NM_201380.4); c.10895A>G, p.Asn3632Ser (NM_201381.3); c.10991A>G, p.Asn3664Ser (NM_201382.4); c.11003A>G, p.Asn3668Ser (NM_201383.3); short protein forms N3801S, N2564S, N3632S, N3664S, N3691S, N3642S, N3650S, N3668S.
Identifiers: ClinVar variation 2082715 (VCV002082715.4), dbSNP rs782426059, ClinGen allele CA4924471.